The following is an entry in ClinVar:

ClinVar aggregate classification (germline): Uncertain significance (1 of 4 stars; one submission).

Allele frequency attached by ClinVar (database versions not stated): gnomAD exomes below 0.00001; TOPMed 0.00001; ExAC 0.00002.
gnomAD v4.1: 5 of 1,613,774 alleles (0.00031%); highest among the groups gnomAD compares: African/African-American, 0.004%; no homozygotes.

Submission:

Labcorp Genetics (formerly Invitae), Labcorp
Classification: Uncertain significance. Last evaluated: 2023-03-09. Review status: criteria provided, single submitter. Criteria: Invitae Variant Classification Sherloc (09022015). Collection method: clinical testing. Allele origin: germline.
Comment: This sequence change replaces leucine, which is neutral and non-polar, with arginine, which is basic and polar, at codon 770 of the MICAL1 protein (p.Leu770Arg). This variant is present in population databases (rs763420914, gnomAD 0.02%). This variant has not been reported in the literature in individuals affected with MICAL1-related conditions. An algorithm developed to predict the effect of missense changes on protein structure and function (PolyPhen-2) suggests that this variant is likely to be disruptive. In summary, the available evidence is currently insufficient to determine the role of this variant in disease. Therefore, it has been classified as a Variant of Uncertain Significance.

NM_022765.4(MICAL1):c.2252T>G (p.Leu751Arg)

Gene: MICAL1 (microtubule associated monooxygenase, calponin and LIM domain containing 1; minus strand). Cytogenetic location: 6q21.
Variant type: single nucleotide variant.
Coding change: c.2252T>G on transcript NM_022765.4 (MANE Select); coding-DNA position 2252, T replaced by G.
Protein change: p.Leu751Arg; replaces leucine 751 with arginine.
Molecular consequence: missense variant.
Genome position (GRCh38, 1-based): chr6:109,446,748, A>C on the plus strand (T>G on the coding strand, the complement: MICAL1 is on the minus strand). VCF-style: chr6-109446748-A-C. GRCh37 (hg19) VCF-style: chr6-109767951-A-C.
Other names: c.1994T>G, p.Leu665Arg (NM_001159291.2); c.2309T>G, p.Leu770Arg (NM_001286613.2); short protein forms L770R, L751R, L665R.
Identifiers: ClinVar variation 2996624 (VCV002996624.3), dbSNP rs763420914, ClinGen allele CA3952999.